The following is an entry in ClinVar:

NM_000257.4(MYH7):c.3154A>G (p.Lys1052Glu)

Gene: MYH7 (myosin heavy chain 7; minus strand). Cytogenetic location: 14q11.2.
Variant type: single nucleotide variant.
Coding change: c.3154A>G on transcript NM_000257.4 (MANE Select); coding-DNA position 3154, A replaced by G.
Protein change: p.Lys1052Glu; replaces lysine 1052 with glutamic acid.
Molecular consequence: missense variant.
Genome position (GRCh38, 1-based): chr14:23,422,271, T>C on the plus strand (A>G on the coding strand, the complement: MYH7 is on the minus strand). VCF-style: chr14-23422271-T-C. GRCh37 (hg19) VCF-style: chr14-23891480-T-C.
Other names: c.3154A>G (LRG_384t1); short protein forms K1052E.
Identifiers: ClinVar variation 626815 (VCV000626815.9), dbSNP rs1566529274, ClinGen allele CA389045360.
Genomic context (GRCh38, chr14:23,422,271, plus strand): 5'-CATTCTCCAGGTCCATGATGCTCTCCTGGGTCAGCTTCAGGTCGCCCTCCAGCTTCCGCT[T>C]CGCTCGCTCCAGGTCCATGCGCACCTTCTTCTCTTGCTCCAGGGATCCTTCCAGCTGGTA-3'
Protein context (NP_000248.2, residues 1042-1062): KKVRMDLERA[Lys1052Glu]RKLEGDLKLT

ClinVar aggregate classification (germline): Uncertain significance. Review status: criteria provided, multiple submitters, no conflicts (2 of 4 stars). 3 submissions from 3 submitters: Uncertain significance (3). Last evaluated 2024-06-04.

Conditions:
Cardiomyopathy (CMYO). Also called: Cardiomyopathies. Identifiers: Orphanet 167848, MedGen C0878544, MONDO:0004994, HP:0001638. Inheritance: Various modes of inheritance.
Hypertrophic cardiomyopathy. Also called: HYPERTROPHIC MYOCARDIOPATHY. Identifiers: Orphanet 217569, MedGen C0007194, MeSH D002312, MONDO:0005045, HP:0001639.

Submissions (3):

Labcorp Genetics (formerly Invitae), Labcorp
Classification: Uncertain significance for Hypertrophic cardiomyopathy. Last evaluated: 2024-06-04. Review status: criteria provided, single submitter. Criteria: Invitae Variant Classification Sherloc (09022015). Collection method: clinical testing. Allele origin: germline.
Comment: This sequence change replaces lysine, which is basic and polar, with glutamic acid, which is acidic and polar, at codon 1052 of the MYH7 protein (p.Lys1052Glu). This variant is not present in population databases (gnomAD no frequency). This variant has not been reported in the literature in individuals affected with MYH7-related conditions. ClinVar contains an entry for this variant (Variation ID: 626815). Advanced modeling of protein sequence and biophysical properties (such as structural, functional, and spatial information, amino acid conservation, physicochemical variation, residue mobility, and thermodynamic stability) performed at Invitae indicates that this missense variant is expected to disrupt MYH7 protein function with a positive predictive value of 95%. In summary, the available evidence is currently insufficient to determine the role of this variant in disease. Therefore, it has been classified as a Variant of Uncertain Significance.

Color Diagnostics, LLC DBA Color Health
Classification: Uncertain significance for Cardiomyopathy. Last evaluated: 2023-12-05. Review status: criteria provided, single submitter. Criteria: ACMG Guidelines, 2015. Collection method: clinical testing. Allele origin: germline.
Comment: This missense variant replaces lysine with glutamic acid at codon 1052 of the MYH7 protein. Computational prediction tools and conservation analyses suggest that this variant may have deleterious impact on the protein function. Computational splicing tools suggest that this variant may not impact RNA splicing. To our knowledge, functional assays have not been performed for this variant nor has this variant been reported in individuals affected with cardiovascular disorders in the literature. This variant has not been identified in the general population by the Genome Aggregation Database (gnomAD). Available evidence is insufficient to determine the role of this variant in disease conclusively. Therefore, this variant is classified as a Variant of Uncertain Significance.

CHEO Genetics Diagnostic Laboratory, Children's Hospital of Eastern Ontario
Classification: Uncertain significance for Cardiomyopathy. Last evaluated: 2016-12-28. Review status: criteria provided, single submitter. Criteria: ACMG Guidelines, 2015. Collection method: clinical testing. Allele origin: germline. Study: Canadian Open Genetics Repository.